The following is an entry in ClinVar:

ClinVar aggregate classification (germline): Conflicting classifications of pathogenicity. Review status: criteria provided, conflicting classifications (1 of 4 stars). 4 submissions from 4 submitters: Uncertain significance (3); Likely benign (1). Last evaluated 2025-09-06.

Conditions:
Hereditary cancer-predisposing syndrome. Also called: Hereditary neoplastic syndrome; Tumor predisposition; Neoplastic Syndromes, Hereditary; Hereditary Cancer Syndrome. Identifiers: Orphanet 140162, MedGen C0027672, MeSH D009386, MONDO:0015356.
Hereditary breast ovarian cancer syndrome. Also called: Hereditary breast and ovarian cancer; Hereditary breast and/or ovarian cancer syndrome; Hereditary breast and ovarian cancer syndrome; Hereditary breast and ovarian cancer syndrome (HBOC); Breast and ovarian cancer; BRCA1- and BRCA2-Associated Hereditary Breast and Ovarian Cancer. Identifiers: Orphanet 145, MedGen C0677776, MeSH D061325, MONDO:0003582. Disease mechanism: loss of function.

Allele frequency attached by ClinVar (database versions not stated): gnomAD exomes below 0.00001.
gnomAD v4.1: 2 of 1,592,210 alleles (0.00013%); highest among the groups gnomAD compares: Non-Finnish European, 0.00017%; no homozygotes.

Submissions (4):

Labcorp Genetics (formerly Invitae), Labcorp
Classification: Uncertain significance for Hereditary breast ovarian cancer syndrome. Last evaluated: 2025-09-06. Review status: criteria provided, single submitter. Criteria: Invitae Variant Classification Sherloc (09022015). Collection method: clinical testing. Allele origin: germline.
Comment: This sequence change replaces asparagine, which is neutral and polar, with aspartic acid, which is acidic and polar, at codon 889 of the BRCA2 protein (p.Asn889Asp). This variant is present in population databases (no rsID available, gnomAD 0.0009%). This variant has not been reported in the literature in individuals affected with BRCA2-related conditions. ClinVar contains an entry for this variant (Variation ID: 419012). Invitae Evidence Modeling of protein sequence and biophysical properties (such as structural, functional, and spatial information, amino acid conservation, physicochemical variation, residue mobility, and thermodynamic stability) indicates that this missense variant is not expected to disrupt BRCA2 protein function with a negative predictive value of 95%. In summary, the available evidence is currently insufficient to determine the role of this variant in disease. Therefore, it has been classified as a Variant of Uncertain Significance.

Ambry Genetics
Classification: Uncertain significance for Hereditary cancer-predisposing syndrome. Last evaluated: 2023-12-24. Review status: criteria provided, single submitter. Criteria: Ambry Variant Classification Scheme 2023. Collection method: clinical testing. Allele origin: germline.
Comment: The p.N889D variant (also known as c.2665A>G), located in coding exon 10 of the BRCA2 gene, results from an A to G substitution at nucleotide position 2665. The asparagine at codon 889 is replaced by aspartic acid, an amino acid with highly similar properties. This amino acid position is conserved. In addition, this alteration is predicted to be tolerated by in silico analysis. Since supporting evidence is limited at this time, the clinical significance of this alteration remains unclear.

University of Washington Department of Laboratory Medicine, University of Washington
Classification: Likely benign for Hereditary cancer-predisposing syndrome. Last evaluated: 2023-03-23. Review status: criteria provided, single submitter. Criteria: Dines et al. (Genet Med. 2020). Collection method: curation. Allele origin: germline.
Comment: Missense variant in a coldspot region where missense variants are very unlikely to be pathogenic (PMID:31911673).

BRCA2 exon 11 coldspot. Reclassification based on statistical prior probability.

GeneDx
Classification: Uncertain significance. Last evaluated: 2015-05-08. Review status: criteria provided, single submitter. Criteria: GeneDx Variant Classification (06012015). Collection method: clinical testing. Allele origin: germline. Affected: yes.
Comment: This variant is denoted BRCA2 c.2665A>G at the cDNA level, p.Asn889Asp (N889D) at the protein level, and results in the change of an Asparagine to an Aspartic Acid (AAT>GAT). Using alternate nomenclature, this variant would be defined as BRCA2 2893A>G. This variant has not, to our knowledge, been published in the literature as pathogenic or benign. BRCA2 Asn889Asp was not observed in approximately 6,500 individuals of European and African American ancestry in the NHLBI Exome Sequencing Project, indicating it is not a common benign variant in these populations. Since Asparagine and Aspartic Acid differ in some properties, this is considered a semi-conservative amino acid substitution. BRCA2 Asn889Asp occurs at a position that is not conserved and is located in the region of interaction with NPM1 (UniProt). In silico analyses predict that this variant is unlikely to alter protein structure or function. Based on currently available information, it is unclear whether BRCA2 Asn889Asp is pathogenic or benign. We consider it to be a variant of uncertain significance.

NM_000059.4(BRCA2):c.2665A>G (p.Asn889Asp)

Gene: BRCA2 (BRCA2 DNA repair associated; plus strand). Cytogenetic location: 13q13.1.
Variant type: single nucleotide variant.
Coding change: c.2665A>G on transcript NM_000059.4 (MANE Select); coding-DNA position 2665, A replaced by G.
Protein change: p.Asn889Asp; replaces asparagine 889 with aspartic acid.
Molecular consequence: missense variant.
Genome position (GRCh38, 1-based): chr13:32,337,020, A>G. VCF-style: chr13-32337020-A-G. GRCh37 (hg19) VCF-style: chr13-32911157-A-G.
Other names: short protein forms N889D.
Identifiers: ClinVar variation 419012 (VCV000419012.12), dbSNP rs1020818778, ClinGen allele CA16619675.